The following is an entry in ClinVar:

NM_007315.4(STAT1):c.132G>T (p.Glu44Asp)

Gene: STAT1 (signal transducer and activator of transcription 1; minus strand). Cytogenetic location: 2q32.2.
Variant type: single nucleotide variant.
Coding change: c.132G>T on transcript NM_007315.4 (MANE Select); coding-DNA position 132, G replaced by T.
Protein change: p.Glu44Asp; replaces glutamic acid 44 with aspartic acid.
Molecular consequence: missense variant.
Genome position (GRCh38, 1-based): chr2:191,009,104, C>A on the plus strand (G>T on the coding strand, the complement: STAT1 is on the minus strand). VCF-style: chr2-191009104-C-A. GRCh37 (hg19) VCF-style: chr2-191873830-C-A.
Other names: c.132G>T, p.Glu44Asp (NM_001384880.1, NM_001384882.1, NM_001384883.1 and 7 more transcripts); c.138G>T, p.Glu46Asp (NM_001384881.1, NM_001384884.1); c.168G>T, p.Glu56Asp (NM_001384891.1); short protein forms E44D, E56D, E46D.
Identifiers: ClinVar variation 2938030 (VCV002938030.3), dbSNP rs2125101106, ClinGen allele CA349928148.

ClinVar aggregate classification (germline): Uncertain significance (1 of 4 stars; one submission).

Conditions:
Immunodeficiency 31B. Also called: IMMUNODEFICIENCY 31B, MYCOBACTERIAL AND VIRAL INFECTIONS, AUTOSOMAL RECESSIVE; STAT1 DEFICIENCY, AUTOSOMAL RECESSIVE. Identifiers: Orphanet 391311, MedGen C3151088, MONDO:0013427, OMIM 613796.
Autoimmune enteropathy and endocrinopathy - susceptibility to chronic infections syndrome. Also called: Immunodeficiency 31C, autosomal dominant; Immunodeficiency 31C. Identifiers: Orphanet 391487, MedGen C3279990, MONDO:0013599, OMIM 614162.
Mendelian susceptibility to mycobacterial diseases due to partial STAT1 deficiency. Also called: IMMUNODEFICIENCY 31A, MYCOBACTERIOSIS, AUTOSOMAL DOMINANT; STAT1 DEFICIENCY, AUTOSOMAL DOMINANT; Immunodeficiency 31a. Identifiers: Orphanet 319595, MedGen C4013950, MONDO:0013956, OMIM 614892.

Submission:

Labcorp Genetics (formerly Invitae), Labcorp
Classification: Uncertain significance for Mendelian susceptibility to mycobacterial diseases due to partial STAT1 deficiency; Immunodeficiency 31B; Autoimmune enteropathy and endocrinopathy - susceptibility to chronic infections syndrome. Last evaluated: 2023-12-18. Review status: criteria provided, single submitter. Criteria: Invitae Variant Classification Sherloc (09022015). Collection method: clinical testing. Allele origin: germline.
Comment: This sequence change replaces glutamic acid, which is acidic and polar, with aspartic acid, which is acidic and polar, at codon 44 of the STAT1 protein (p.Glu44Asp). This variant is not present in population databases (gnomAD no frequency). This variant has not been reported in the literature in individuals affected with STAT1-related conditions. Algorithms developed to predict the effect of missense changes on protein structure and function output the following: SIFT: "Not Available"; PolyPhen-2: "Benign"; Align-GVGD: "Not Available". The aspartic acid amino acid residue is found in multiple mammalian species, which suggests that this missense change does not adversely affect protein function. In summary, the available evidence is currently insufficient to determine the role of this variant in disease. Therefore, it has been classified as a Variant of Uncertain Significance.